The following is an entry in ClinVar:

ClinVar aggregate classification (germline): Uncertain significance (1 of 4 stars; one submission).

Conditions:
Wiskott-Aldrich syndrome 2 (WAS2). Also called: WIPF1 DEFICIENCY. Identifiers: Orphanet 906, MedGen C3281001, MONDO:0013779, OMIM 614493.

Allele frequency attached by ClinVar (database versions not stated): gnomAD exomes below 0.00001; ExAC 0.00001; TOPMed 0.00001.

Submission:

Labcorp Genetics (formerly Invitae), Labcorp
Classification: Uncertain significance for Wiskott-Aldrich syndrome 2. Last evaluated: 2021-10-22. Review status: criteria provided, single submitter. Criteria: Invitae Variant Classification Sherloc (09022015). Collection method: clinical testing. Allele origin: germline.
Comment: In summary, the available evidence is currently insufficient to determine the role of this variant in disease. Therefore, it has been classified as a Variant of Uncertain Significance. Algorithms developed to predict the effect of missense changes on protein structure and function are either unavailable or do not agree on the potential impact of this missense change (SIFT: "Not Available"; PolyPhen-2: "Probably Damaging"; Align-GVGD: "Not Available"). This variant has not been reported in the literature in individuals affected with WIPF1-related conditions. This variant is present in population databases (rs747335347, ExAC 0.002%). This sequence change replaces asparagine with serine at codon 439 of the WIPF1 protein (p.Asn439Ser). The asparagine residue is highly conserved and there is a small physicochemical difference between asparagine and serine.

NM_001375834.1(WIPF1):c.1316A>G (p.Asn439Ser)

Gene: WIPF1 (WAS/WASL interacting protein family member 1; minus strand). Cytogenetic location: 2q31.1.
Variant type: single nucleotide variant.
Coding change: c.1316A>G on transcript NM_001375834.1 (MANE Select); coding-DNA position 1316, A replaced by G.
Protein change: p.Asn439Ser; replaces asparagine 439 with serine.
Molecular consequence: missense variant.
Genome position (GRCh38, 1-based): chr2:174,567,887, T>C on the plus strand (A>G on the coding strand, the complement: WIPF1 is on the minus strand). VCF-style: chr2-174567887-T-C. GRCh37 (hg19) VCF-style: chr2-175432615-T-C.
Other names: c.1316A>G, p.Asn439Ser (NM_001077269.1, NM_001375832.1, NM_001375833.1 and 2 more transcripts); c.938A>G, p.Asn313Ser (NM_001375839.1); short protein forms N313S, N439S.
Identifiers: ClinVar variation 1443055 (VCV001443055.4), dbSNP rs747335347, ClinGen allele CA1973936.